The following is an entry in ClinVar:

ClinVar aggregate classification (germline): Pathogenic. Review status: criteria provided, multiple submitters, no conflicts (2 of 4 stars). 16 submissions from 15 submitters: Pathogenic (10). 6 of the submissions do not count toward it. Last evaluated 2025-08-17.

Conditions:
TRPV4-related disorder. Also called: TRPV4-related condition; TRPV4-related disorders.
Neuronopathy, distal hereditary motor, autosomal dominant. Also called: Autosomal dominant distal hereditary motor neuropathy. Identifiers: Orphanet 140465, MedGen C5548212, MONDO:0015362.
Charcot-Marie-Tooth disease. Also called: Charcot-Marie-Tooth Neuropathy; Charcot-Marie-Tooth Hereditary Neuropathy. Identifiers: Orphanet 166, MedGen C0007959, MONDO:0015626.
Neuromuscular disease. Also called: Neuromuscular disorder; Neuromyopathy. Identifiers: Orphanet 68381, MedGen C0027868, MeSH D009468, MONDO:0019056.
Skeletal dysplasia. Also called: Primary bone dysplasia. Identifiers: Orphanet 364526, MedGen C0410528, MONDO:0018230, HP:0002652.
Neuronopathy, distal hereditary motor, autosomal dominant 8. Also called: NEURONOPATHY, DISTAL HEREDITARY MOTOR, TYPE VIII; NEUROPATHY, DISTAL HEREDITARY MOTOR, TYPE VIII; SPINAL MUSCULAR ATROPHY, CONGENITAL BENIGN, WITH CONTRACTURES; Autosomal dominant congenital benign spinal muscular atrophy. Identifiers: Orphanet 1216, MedGen C1838492, MONDO:0010839, OMIM 600175.
Charcot-Marie-Tooth disease axonal type 2C (HMSN2C). Also called: Charcot-Marie-Tooth Disease Type 2, TRPV4-Related (CMT2C); CHARCOT-MARIE-TOOTH DISEASE, AXONAL, AUTOSOMAL DOMINANT, TYPE 2C; Charcot-Marie-Tooth Neuropathy Type 2C. Identifiers: Orphanet 99937, MedGen C1853710, MONDO:0011633, OMIM 606071.
Spondylometaphyseal dysplasia, Kozlowski type (SMDK). Also called: Dysmorphism arthrogryposis skeletal maturation advanced; Jequier-Kozlowski syndrome; Skeletal dysplasia Jequier-Kozlowski type; SMD Kozlowski type; Spondylometaphyseal Dysplasia, TRPV4-Related (Kozlowski Type). Identifiers: Orphanet 93314, MedGen C0265280, MONDO:0008477, OMIM 184252.

Allele frequency attached by ClinVar (database versions not stated): gnomAD exomes below 0.00001.

Submissions (16):

Dasa
Classification: Pathogenic. Last evaluated: 2025-08-17. Review status: criteria provided, single submitter. Criteria: DASA Assertion Criteria. Collection method: clinical testing. Allele origin: germline.
Comment: NM_021625.5(TRPV4):c.694C>T (p.Arg232Cys) is a missense variant that results in the substitution of arginine with cysteine. Segregation evidence has been reported in affected families. Functional evidence supports a deleterious effect on the gene or gene product (PMID: 20460441; PMID: 21288981; PMID: 33664271). This variant has been recurrently observed in individuals with related phenotype (PMID: 20460441; PMID: 21288981; PMID: 33664271). Multiple computational predictions support a deleterious effect on the gene or gene product. The variant is present at low frequency in population datasets. Based on the available data, this variant is classified as pathogenic.

Labcorp Genetics (formerly Invitae), Labcorp
Classification: Pathogenic for Charcot-Marie-Tooth disease axonal type 2C. Last evaluated: 2025-01-06. Review status: criteria provided, single submitter. Criteria: Invitae Variant Classification Sherloc (09022015). Collection method: clinical testing. Allele origin: germline.
Comment: This sequence change replaces arginine, which is basic and polar, with cysteine, which is neutral and slightly polar, at codon 232 of the TRPV4 protein (p.Arg232Cys). This variant is not present in population databases (gnomAD no frequency). This missense change has been observed in individual(s) with Charcot-Marie-Tooth disease type 2C, distal hereditary motor neuropathy, and/or scapuloperoneal spinal muscular atrophy (PMID: 20460441, 21288981, 22526352, 24789864, 26048687). In at least one individual the variant was observed to be de novo. It has also been observed to segregate with disease in related individuals. ClinVar contains an entry for this variant (Variation ID: 30472). Invitae Evidence Modeling of protein sequence and biophysical properties (such as structural, functional, and spatial information, amino acid conservation, physicochemical variation, residue mobility, and thermodynamic stability) has been performed for this missense variant. However, the output from this modeling did not meet the statistical confidence thresholds required to predict the impact of this variant on TRPV4 protein function. Experimental studies have shown that this missense change affects TRPV4 function (PMID: 21288981, 22702953). For these reasons, this variant has been classified as Pathogenic.

GeneDx
Classification: Pathogenic. Last evaluated: 2023-06-22. Review status: criteria provided, single submitter. Criteria: GeneDx Variant Classification Process June 2021. Collection method: clinical testing. Allele origin: germline. Affected: yes.
Comment: Published functional studies demonstrate a damaging effect impacting ATP binding and subcellular localization (Klein et al., 2011; Inada et al., 2012); Not observed at significant frequency in large population cohorts (gnomAD); In silico analysis supports that this missense variant does not alter protein structure/function; This variant is associated with the following publications: (PMID: 26048687, 25256292, 31827005, 34758253, 20460441, 21288981, 22526352, 33664271, 32376792, 22702953, 24789864)

Blueprint Genetics
Classification: Pathogenic for TRPV4-related disorders. Last evaluated: 2022-07-01. Review status: criteria provided, single submitter. Criteria: ACMG Guidelines, 2015. Collection method: clinical testing. Allele origin: germline. Affected: yes. Observed: 2 variant alleles.

CeGaT Center for Human Genetics Tuebingen
Classification: Pathogenic. Last evaluated: 2022-02-01. Review status: criteria provided, single submitter. Criteria: CeGaT Center For Human Genetics Tuebingen Variant Classification Criteria Version 2. Collection method: clinical testing. Allele origin: germline. Affected: yes. Observed: 1 variant allele.

Laboratório de Neurologia Aplicada e Experimental, Faculdade de Medicina de Ribeirao Preto – Universidade de Sao Paulo
Classification: Pathogenic for Charcot-Marie-Tooth disease axonal type 2C. Last evaluated: 2021-07-20. Review status: criteria provided, single submitter. Criteria: ACMG Guidelines, 2015. Collection method: research. Allele origin: germline. Inheritance: Autosomal dominant inheritance. Affected: yes. Observed: 1 heterozygote.
Comment: The variant p.Arg232Cys variant in the TRPV4 gene has been observed in several individuals with TRPV4-related disorders, including distal hereditary motor neuropathy type VIII (dHMN8), scapuloperoneal spinal muscular atrophy (SPSMA), and Charcot-Marie-Tooth disease type 2C (CMT2C). This variant is not present in population databases (GnomAD and ABraOM). ClinVar classifies this variant as Pathogenic (Variation ID: 30472), 2 stars (multiple consistent, 9 submissions), backed by functional studies (requires user validation) mentioned in 21288981, and also citing 8 articles (26948711, 26048687, 24789864, 22702953, 22526352 and 3 more). This variant replaces arginine with cysteine at codon 232 of the TRPV4 protein, which is highly conserved across different species. In summary, the p.Arg232Cys meets our criteria to be classified as pathogenic.

Athena Diagnostics
Classification: Pathogenic. Last evaluated: 2019-01-18. Review status: criteria provided, single submitter. Criteria: Athena Diagnostics Criteria. Collection method: clinical testing. Allele origin: germline.
Comment: Not found in the total gnomAD dataset, and the data is high quality (0/251028 chr). Found in at least one symptomatic patient. Predicted to have a damaging effect on the protein. Damaging to protein function(s) relevant to disease mechanism. Strong co-segregation with disease, and data include affected and unaffected individuals from multiple families.

3billion
Classification: Pathogenic for Charcot-Marie-Tooth disease axonal type 2C. Review status: criteria provided, single submitter. Criteria: ACMG Guidelines, 2015. Collection method: clinical testing. Allele origin: unknown. Affected: yes. Observed: 1 heterozygote.
Comment: The variant is not observed in the gnomAD v2.1.1 dataset. Missense changes are a common disease-causing mechanism. Functional studies provide strong evidence of the variant having a damaging effect on the gene or gene product (PMID: 21288981, 21288981). In silico tool predictions suggest damaging effect of the variant on gene or gene product (REVEL: 0.68; 3Cnet: 0.65). Same nucleotide change resulting in same amino acid change has been previously reported as pathogenic/likely pathogenic with strong evidence (ClinVar ID: VCV000030472 / PMID: 20460441). The variant has been observed in multiple (>3) similarly affected unrelated individuals (PMID: 20460441, 21288981, 24789864). The variant has been reported to co-segregate with the disease in at least 3 similarly affected relatives/individuals in the same family or similarly affected unrelated families (PMID: 20460441, 21288981, 24789864). Different missense changes at the same codon (p.Arg232Pro, p.Arg232Ser) have been reported to be associated with TRPV4 related disorder (ClinVar ID: VCV001493962 / PMID: 24789864). Therefore, this variant is classified as Pathogenic according to the recommendation of ACMG/AMP guideline.

Clinical Biomedical Laboratory, Shriners Hospital For Children - Canada
Classification: Pathogenic for Charcot-Marie-Tooth disease axonal type 2C. Review status: criteria provided, single submitter. Criteria: ACMG Guidelines, 2015. Collection method: clinical testing. Allele origin: germline. Affected: yes.
Comment: This variant is predicted to substitute an arginine residue by a cysteine residue. In the Genome Aggregation Database (gnomAD v2.1.1) this variant is not present. Computational tools (SIFT = tolerated; Polyphen-2 = 0.890, probably damaging) suggest that the amino acid change is deleterious to protein function. Advanced training algorithm score (0.9989) found in DANN predict this variant as damaging. This variant has previously been observed in multiple individuals with a diagnosis of hereditary motor and sensory neuropathy 2C (PMID 21288981); Based on ACMG variant interpretation guidelines, the available evidence supports classification of this variant as pathogenic.

Molecular Genetics Laboratory, London Health Sciences Centre
Classification: Pathogenic for Charcot-Marie-Tooth disease. Review status: criteria provided, single submitter. Criteria: ACMG Guidelines, 2015. Collection method: clinical testing. Allele origin: germline. Affected: yes.

Clinical Genetics Laboratory, University Hospital Schleswig-Holstein
Classification: Pathogenic for Charcot-Marie-Tooth disease axonal type 2C. Last evaluated: 2023-12-21. Review status: no assertion criteria provided. Collection method: clinical testing. Allele origin: germline. Affected: yes. Not counted in ClinVar's aggregate classification.

OMIM
Classification: Pathogenic for HEREDITARY MOTOR AND SENSORY NEUROPATHY, TYPE IIC. Last evaluated: 2012-01-31. Review status: no assertion criteria provided. Collection method: literature only. Allele origin: germline. Not counted in ClinVar's aggregate classification.

OMIM
Classification: Pathogenic for NEURONOPATHY, DISTAL HEREDITARY MOTOR, AUTOSOMAL DOMINANT 8. Last evaluated: 2012-01-31. Review status: no assertion criteria provided. Collection method: literature only. Allele origin: germline. Not counted in ClinVar's aggregate classification.

GeneReviews
No classification provided. Condition: Neuromuscular disease; Skeletal dysplasia. Review status: no classification provided. Collection method: literature only. Allele origin: germline. Affected: yes. Not counted in ClinVar's aggregate classification.

Genomics England Pilot Project, Genomics England
Classification: Likely pathogenic for Spondylometaphyseal dysplasia, Kozlowski type. Review status: no assertion criteria provided. Criteria: ACGS Guidelines, 2016. Collection method: clinical testing. Allele origin: germline. Affected: yes. Not counted in ClinVar's aggregate classification.

Inherited Neuropathy Consortium
Classification: Uncertain significance for Autosomal dominant distal hereditary motor neuropathy. Review status: no assertion criteria provided. Collection method: literature only. Allele origin: germline. Affected: yes. Not counted in ClinVar's aggregate classification.

Literature cited by the submitters: PubMed 20460441 (cited by 6 submitters); PubMed 21288981 (cited by 6 submitters); PubMed 33664271 (cited by Dasa); PubMed 22526352 (cited by 3 submitters); PubMed 24789864 (cited by 4 submitters); PubMed 26048687 (cited by 3 submitters); PubMed 22702953 (cited by 3 submitters); PubMed 26948711 (cited by Laboratório de Neurologia Aplicada e Experimental, Faculdade de Medicina de Ribeirao Preto – Universidade de Sao Paulo and Athena Diagnostics); PubMed 10463355 (cited by Athena Diagnostics and OMIM); PubMed 22291064 (cited by OMIM); NCBI Bookshelf NBK201366 (cited by GeneReviews).

NM_021625.5(TRPV4):c.694C>T (p.Arg232Cys)

Gene: TRPV4 (transient receptor potential cation channel subfamily V member 4; minus strand). Cytogenetic location: 12q24.11.
Variant type: single nucleotide variant.
Coding change: c.694C>T on transcript NM_021625.5 (MANE Select); coding-DNA position 694, C replaced by T.
Protein change: p.Arg232Cys; replaces arginine 232 with cysteine.
Molecular consequence: missense variant.
Genome position (GRCh38, 1-based): chr12:109,803,009, G>A on the plus strand (C>T on the coding strand, the complement: TRPV4 is on the minus strand). VCF-style: chr12-109803009-G-A. GRCh37 (hg19) VCF-style: chr12-110240814-G-A.
Other names: chr12-109803009-G-A; c.592C>T, p.Arg198Cys (NM_001177431.2); c.694C>T, p.Arg232Cys (NM_001177433.2, NM_147204.3, NM_001177428.2); short protein forms R232C, R198C.
Identifiers: ClinVar variation 30472 (VCV000030472.82), dbSNP rs387906904, ClinGen allele CA204953.